The following is an entry in ClinVar:

ClinVar aggregate classification (germline): Uncertain significance (1 of 4 stars; one submission).

Conditions:
Baller-Gerold syndrome (BGS). Also called: CRANIOSYNOSTOSIS WITH RADIAL DEFECTS. Identifiers: Orphanet 1225, MedGen C0265308, MONDO:0009039, OMIM 218600.

Submission:

Labcorp Genetics (formerly Invitae), Labcorp
Classification: Uncertain significance for Baller-Gerold syndrome. Last evaluated: 2023-05-09. Review status: criteria provided, single submitter. Criteria: Invitae Variant Classification Sherloc (09022015). Collection method: clinical testing. Allele origin: germline.
Comment: In summary, the available evidence is currently insufficient to determine the role of this variant in disease. Therefore, it has been classified as a Variant of Uncertain Significance. Variants that disrupt the consensus splice site are a relatively common cause of aberrant splicing (PMID: 17576681, 9536098). Algorithms developed to predict the effect of sequence changes on RNA splicing suggest that this variant may disrupt the consensus splice site. Experimental studies and prediction algorithms are not available or were not evaluated, and the functional significance of this variant is currently unknown. This variant has not been reported in the literature in individuals affected with RECQL4-related conditions. This variant is not present in population databases (gnomAD no frequency). This sequence change replaces serine, which is neutral and polar, with threonine, which is neutral and polar, at codon 1079 of the RECQL4 protein (p.Ser1079Thr). This variant also falls at the last nucleotide of exon 18, which is part of the consensus splice site for this exon.

Literature cited by the submitters: PubMed 17576681; PubMed 9536098.

NM_004260.4(RECQL4):c.3236G>C (p.Ser1079Thr)

Gene: RECQL4 (RecQ like helicase 4; minus strand). Cytogenetic location: 8q24.3.
Variant type: single nucleotide variant.
Coding change: c.3236G>C on transcript NM_004260.4 (MANE Select); coding-DNA position 3236, G replaced by C.
Protein change: p.Ser1079Thr; replaces serine 1079 with threonine.
Molecular consequence: missense variant. On other transcripts: non-coding transcript variant (3).
Genome position (GRCh38, 1-based): chr8:144,512,144, C>G on the plus strand (G>C on the coding strand, the complement: RECQL4 is on the minus strand). VCF-style: chr8-144512144-C-G. GRCh37 (hg19) VCF-style: chr8-145737527-C-G.
Other names: c.2942G>C, p.Ser981Thr (NM_001413017.1); c.3038G>C, p.Ser1013Thr (NM_001413018.1); c.3311G>C, p.Ser1104Thr (NM_001413019.1); c.3140G>C, p.Ser1047Thr (NM_001413020.1); c.2165G>C, p.Ser722Thr (NM_001413021.1, NM_001413022.1, NM_001413024.1 and 4 more transcripts); c.2240G>C, p.Ser747Thr (NM_001413023.1); c.3107G>C, p.Ser1036Thr (NM_001413025.1); c.2099G>C, p.Ser700Thr (NM_001413027.1, NM_001413030.1, NM_001413032.1); and 9 more; short protein forms S1035T, S700T, S1069T, S590T, S656T, S722T, S962T, S1013T.
Identifiers: ClinVar variation 3006036 (VCV003006036.3), dbSNP rs2130657545, ClinGen allele CA372669594.